The following is an entry in ClinVar:

NM_000091.5(COL4A3):c.2353G>T (p.Glu785Ter)

Genes: COL4A3 (collagen type IV alpha 3 chain; plus strand), MFF-DT (MFF divergent transcript; minus strand). Cytogenetic location: 2q36.3.
Variant type: single nucleotide variant.
Coding change: c.2353G>T on transcript NM_000091.5 (MANE Select); coding-DNA position 2353, G replaced by T.
Protein change: p.Glu785Ter; replaces glutamic acid 785 with a stop codon.
Molecular consequence: nonsense.
Genome position (GRCh38, 1-based): chr2:227,280,569, G>T. VCF-style: chr2-227280569-G-T. GRCh37 (hg19) VCF-style: chr2-228145285-G-T.
Other names: short protein forms E785*.
Identifiers: ClinVar variation 938188 (VCV000938188.7), dbSNP rs755792441, ClinGen allele CA350849296.

ClinVar aggregate classification (germline): Pathogenic (1 of 4 stars; one submission).

Submission:

Labcorp Genetics (formerly Invitae), Labcorp
Classification: Pathogenic. Last evaluated: 2022-06-27. Review status: criteria provided, single submitter. Criteria: Invitae Variant Classification Sherloc (09022015). Collection method: clinical testing. Allele origin: germline.
Comment: ClinVar contains an entry for this variant (Variation ID: 938188). This variant has not been reported in the literature in individuals affected with COL4A3-related conditions. This variant is not present in population databases (gnomAD no frequency). This sequence change creates a premature translational stop signal (p.Glu785*) in the COL4A3 gene. It is expected to result in an absent or disrupted protein product. Loss-of-function variants in COL4A3 are known to be pathogenic (PMID: 8956999, 24854265, 26809805, 27281700). For these reasons, this variant has been classified as Pathogenic.

Literature cited by the submitters: PubMed 8956999; PubMed 24854265; PubMed 26809805; PubMed 27281700.